The following is an entry in ClinVar:

ClinVar aggregate classification (germline): Uncertain significance (1 of 4 stars; one submission).

Conditions:
Primary ciliary dyskinesia. Also called: Ciliary dyskinesia. Identifiers: Orphanet 244, MedGen C0008780, MONDO:0016575, HP:0012265.

Allele frequency attached by ClinVar (database versions not stated): TOPMed below 0.00001.
gnomAD v4.1: 1 of 1,584,304 alleles (0.000063%); highest among the groups gnomAD compares: Admixed American, 0.0018%; no homozygotes.

Submission:

Labcorp Genetics (formerly Invitae), Labcorp
Classification: Uncertain significance for Primary ciliary dyskinesia. Last evaluated: 2023-07-01. Review status: criteria provided, single submitter. Criteria: Invitae Variant Classification Sherloc (09022015). Collection method: clinical testing. Allele origin: germline.
Comment: In summary, the available evidence is currently insufficient to determine the role of this variant in disease. Therefore, it has been classified as a Variant of Uncertain Significance. Variants that disrupt the consensus splice site are a relatively common cause of aberrant splicing (PMID: 17576681, 9536098). Algorithms developed to predict the effect of sequence changes on RNA splicing suggest that this variant may disrupt the consensus splice site. ClinVar contains an entry for this variant (Variation ID: 2174480). This variant has been observed in individual(s) with autosomal recessive primary ciliary dyskinesia (Invitae). The frequency data for this variant in the population databases is considered unreliable, as metrics indicate poor data quality at this position in the gnomAD database. This sequence change falls in intron 47 of the DNAH11 gene. It does not directly change the encoded amino acid sequence of the DNAH11 protein. It affects a nucleotide within the consensus splice site.

Literature cited by the submitters: PubMed 17576681; PubMed 9536098.

NM_001277115.2(DNAH11):c.7811+5G>A

Gene: DNAH11 (dynein axonemal heavy chain 11; plus strand). Cytogenetic location: 7p15.3.
Variant type: single nucleotide variant.
Coding change: c.7811+5G>A on transcript NM_001277115.2 (MANE Select); 5 bases into the intron after coding-DNA position 7811, G replaced by A.
Molecular consequence: intron variant.
Genome position (GRCh38, 1-based): chr7:21,738,871, G>A. VCF-style: chr7-21738871-G-A. GRCh37 (hg19) VCF-style: chr7-21778489-G-A.
Identifiers: ClinVar variation 2174480 (VCV002174480.4), dbSNP rs760682637, ClinGen allele CA4181354.